The following is an entry in ClinVar:

ClinVar aggregate classification (germline): Uncertain significance (1 of 4 stars; one submission).

Submission:

Women's Health and Genetics/Laboratory Corporation of America, LabCorp
Classification: Uncertain significance. Last evaluated: 2025-07-22. Review status: criteria provided, single submitter. Criteria: LabCorp Variant Classification Summary - May 2015. Collection method: clinical testing. Allele origin: germline.
Comment: Variant summary: DNM1 c.1905+3G>A alters a conserved nucleotide located close to a canonical splice site and therefore could affect mRNA splicing, leading to a significantly altered protein sequence. Consensus agreement among computation tools predict no significant impact on normal splicing. However, these predictions have yet to be confirmed by functional studies. The variant was absent in 251420 control chromosomes. The available data on variant occurrences in the general population are insufficient to allow any conclusion about variant significance. To our knowledge, no occurrence of c.1905+3G>A in individuals affected with Developmental And Epileptic Encephalopathy, 31 and no experimental evidence demonstrating its impact on protein function have been reported. No submitters have cited clinical-significance assessments for this variant to ClinVar. Based on the evidence outlined above, the variant was classified as uncertain significance.

NM_004408.4(DNM1):c.1905+3G>A

Gene: DNM1 (dynamin 1; plus strand). Cytogenetic location: 9q34.11.
Variant type: single nucleotide variant.
Coding change: c.1905+3G>A on transcript NM_004408.4 (MANE Select); 3 bases into the intron after coding-DNA position 1905, G replaced by A.
Molecular consequence: intron variant.
Genome position (GRCh38, 1-based): chr9:128,247,938, G>A. VCF-style: chr9-128247938-G-A. GRCh37 (hg19) VCF-style: chr9-131010217-G-A.
Other names: c.1905+3G>A (NM_001005336.3, NM_001374269.1, NM_001288738.2 and 2 more transcripts).
Identifiers: ClinVar variation 4526292 (VCV004526292.1).
Genomic context (GRCh38, chr9:128,247,938, plus strand): 5'-CCCTGGTGGTGGCGGCGGTGGCAATGTTGGTGTGTGGGCCTCCCAGGACAAAGAGAAAGT[G>A]AGTGTGCCCTTCTCTTGCCTCCTGCCAGGCATCTGCAGCCTGGCACCAGCTCCAGCCAGG-3'